The following is an entry in ClinVar:

ClinVar aggregate classification (germline): Likely benign (1 of 4 stars; one submission).

Submission:

CeGaT Center for Human Genetics Tuebingen
Classification: Likely benign. Last evaluated: 2025-02-01. Review status: criteria provided, single submitter. Criteria: CeGaT Center For Human Genetics Tuebingen Variant Classification Criteria Version 2. Collection method: clinical testing. Allele origin: germline. Affected: yes. Observed: 1 variant allele.
Comment: KRR1: BP4, BS2

NM_007043.7(KRR1):c.394-10_394-8dup

Gene: KRR1 (KRR1 small subunit processome component; minus strand). Cytogenetic location: 12q21.2.
Variant type: Duplication.
Coding change: c.394-10_394-8dup on transcript NM_007043.7 (MANE Select); 10 bases into the intron before coding-DNA position 394 through 8 bases into the intron before coding-DNA position 394, 3 bases duplicated (TTT; older notation c.394-10_394-8dupTTT).
Molecular consequence: intron variant.
Genome position (GRCh38, 1-based): chr12:75,506,617-75,506,619, AAA duplicated on the plus strand (TTT on the coding strand, the reverse complement: KRR1 is on the minus strand); duplicating any 3 consecutive bases within chr12:75,506,617-75,506,633 gives the same sequence; the c. name uses the placement nearest the transcript's 3' end. VCF-style (leftmost placement, unchanged base first): chr12-75506616-C-CAAA. GRCh37 (hg19) VCF-style: chr12-75900396-C-CAAA.
Identifiers: ClinVar variation 3770392 (VCV003770392.13).
Genomic context (GRCh38, chr12:75,506,616, plus strand): 5'-AGAACCTATTTTAATGATGTCACATGCAACATCATCCTGAAGAATTCGTACTGCCTTTTG[C>CAAA]AAAAAAAAAAAAAAAAAGAAGACATTATCAACATTTTTTACAATTACATTCATTTTCCAG-3'